The following is an entry in ClinVar:

ClinVar aggregate classification (germline): Uncertain significance (1 of 4 stars; one submission).

gnomAD v4.1: 3 of 1,611,730 alleles (0.00019%); highest among the groups gnomAD compares: South Asian, 0.0011%; no homozygotes.

Submission:

Labcorp Genetics (formerly Invitae), Labcorp
Classification: Uncertain significance. Last evaluated: 2024-06-18. Review status: criteria provided, single submitter. Criteria: Invitae Variant Classification Sherloc (09022015). Collection method: clinical testing. Allele origin: germline.
Comment: This sequence change replaces proline, which is neutral and non-polar, with leucine, which is neutral and non-polar, at codon 255 of the GRIN2D protein (p.Pro255Leu). This variant is not present in population databases (gnomAD no frequency). This variant has not been reported in the literature in individuals affected with GRIN2D-related conditions. Advanced modeling of protein sequence and biophysical properties (such as structural, functional, and spatial information, amino acid conservation, physicochemical variation, residue mobility, and thermodynamic stability) performed at Invitae indicates that this missense variant is not expected to disrupt GRIN2D protein function with a negative predictive value of 95%. In summary, the available evidence is currently insufficient to determine the role of this variant in disease. Therefore, it has been classified as a Variant of Uncertain Significance.

NM_000836.4(GRIN2D):c.764C>T (p.Pro255Leu)

Gene: GRIN2D (glutamate ionotropic receptor NMDA type subunit 2D; plus strand). Cytogenetic location: 19q13.33.
Variant type: single nucleotide variant.
Coding change: c.764C>T on transcript NM_000836.4 (MANE Select); coding-DNA position 764, C replaced by T.
Protein change: p.Pro255Leu; replaces proline 255 with leucine.
Molecular consequence: missense variant.
Genome position (GRCh38, 1-based): chr19:48,405,032, C>T. VCF-style: chr19-48405032-C-T. GRCh37 (hg19) VCF-style: chr19-48908289-C-T.
Other names: short protein forms P255L.
Identifiers: ClinVar variation 3636276 (VCV003636276.2).
Genomic context (GRCh38, chr19:48,405,032, plus strand): 5'-AGCTCCGCAGTGTCAGCGCGCAGATCCGCCTGCTCTTCTGCGCCCGAGAGGAGGCCGAGC[C>T]CGTGTTCCGCGCAGCTGAGGAGGCTGGCCTCACTGGATCTGGCTACGTCTGGTTCATGGT-3'
Protein context (NP_000827.2, residues 245-265): LLFCAREEAE[Pro255Leu]VFRAAEEAGL